The following is an entry in ClinVar:

NM_024422.6(DSC2):c.154+6G>A

Gene: DSC2 (desmocollin 2; minus strand). Cytogenetic location: 18q12.1.
Variant type: single nucleotide variant.
Coding change: c.154+6G>A on transcript NM_024422.6 (MANE Select); 6 bases into the intron after coding-DNA position 154, G replaced by A.
Molecular consequence: intron variant.
Genome position (GRCh38, 1-based): chr18:31,093,553, C>T on the plus strand (G>A on the coding strand, the complement: DSC2 is on the minus strand). VCF-style: chr18-31093553-C-T. GRCh37 (hg19) VCF-style: chr18-28673516-C-T.
Other names: c.154+6G>A (NM_004949.5, NM_024422.4).
Identifiers: ClinVar variation 926050 (VCV000926050.7), dbSNP rs778131915, ClinGen allele CA031986.
Genomic context (GRCh38, chr18:31,093,553, plus strand): 5'-AGTATTCCATGGCGTATATGTACCACAGCAAAACAGGATTTATTACAAATTTTAGGGCTT[C>T]CTTACCTCTACCAACAAGTTTCTCGGCATCTAGTTTGGAGGGAACATGTAATGTCACATT-3'

ClinVar aggregate classification (germline): Conflicting classifications of pathogenicity. Review status: criteria provided, conflicting classifications (1 of 4 stars). 3 submissions from 3 submitters: Uncertain significance (1); Likely benign (2). Last evaluated 2026-09-21.

Conditions:
Arrhythmogenic right ventricular dysplasia 11. Also called: Arrhythmogenic Right Ventricular Dysplasia/Cardiomyopathy11; ARRHYTHMOGENIC RIGHT VENTRICULAR DYSPLASIA, FAMILIAL, 11; Arrhythmogenic right ventricular dysplasia 11 with mild palmoplantar keratoderma and woolly hair. Identifiers: MedGen C1864850, MONDO:0012506, OMIM 610476.
Cardiomyopathy (CMYO). Also called: Cardiomyopathies. Identifiers: Orphanet 167848, MedGen C0878544, MONDO:0004994, HP:0001638. Inheritance: Various modes of inheritance.

Allele frequency attached by ClinVar (database versions not stated): gnomAD exomes 0.00004 and 0.00001; ExAC 0.00005; gnomAD 0.00001; TOPMed 0.00003.
gnomAD v4.1: 12 of 1,600,672 alleles (0.00075%); highest among the groups gnomAD compares: East Asian, 0.025%; no homozygotes.

Submissions (3):

Molecular Diagnostic Laboratory for Inherited Cardiovascular Disease, Montreal Heart Institute
Classification: Likely benign. Last evaluated: 2026-09-21. Review status: criteria provided, single submitter. Criteria: ACMG Guidelines, 2015. Collection method: clinical testing. Allele origin: germline. Affected: no.
Comment: BS1;BP4

Labcorp Genetics (formerly Invitae), Labcorp
Classification: Uncertain significance for Arrhythmogenic right ventricular dysplasia 11. Last evaluated: 2026-01-07. Review status: criteria provided, single submitter. Criteria: Invitae Variant Classification Sherloc (09022015). Collection method: clinical testing. Allele origin: germline.
Comment: This sequence change falls in intron 2 of the DSC2 gene. It does not directly change the encoded amino acid sequence of the DSC2 protein. It affects a nucleotide within the consensus splice site. This variant is present in population databases (rs778131915, gnomAD 0.06%). This variant has not been reported in the literature in individuals affected with DSC2-related conditions. ClinVar contains an entry for this variant (Variation ID: 926050). Variants that disrupt the consensus splice site are a relatively common cause of aberrant splicing (PMID: 17576681, 9536098). Algorithms developed to predict the effect of sequence changes on RNA splicing suggest that this variant is not likely to affect RNA splicing. In summary, the available evidence is currently insufficient to determine the role of this variant in disease. Therefore, it has been classified as a Variant of Uncertain Significance.

Color Diagnostics, LLC DBA Color Health
Classification: Likely benign for Cardiomyopathy. Last evaluated: 2019-01-22. Review status: criteria provided, single submitter. Criteria: ACMG Guidelines, 2015. Collection method: clinical testing. Allele origin: germline.

Literature cited by the submitters: PubMed 17576681 (cited by Labcorp Genetics (formerly Invitae), Labcorp); PubMed 9536098 (cited by Labcorp Genetics (formerly Invitae), Labcorp).